The following is an entry in ClinVar:

NM_003742.4(ABCB11):c.2474A>G (p.Glu825Gly)

Gene: ABCB11 (ATP binding cassette subfamily B member 11; minus strand). Cytogenetic location: 2q31.1.
Variant type: single nucleotide variant.
Coding change: c.2474A>G on transcript NM_003742.4 (MANE Select); coding-DNA position 2474, A replaced by G.
Protein change: p.Glu825Gly; replaces glutamic acid 825 with glycine.
Molecular consequence: missense variant.
Genome position (GRCh38, 1-based): chr2:168,944,741, T>C on the plus strand (A>G on the coding strand, the complement: ABCB11 is on the minus strand). VCF-style: chr2-168944741-T-C. GRCh37 (hg19) VCF-style: chr2-169801251-T-C.
Other names: short protein forms E825G.
Identifiers: ClinVar variation 4845990 (VCV004845990.1).

ClinVar aggregate classification (germline): Uncertain significance (1 of 4 stars; one submission).

Conditions:
Familial intrahepatic cholestasis. Identifiers: Orphanet 284385, MedGen CN296401, MONDO:0017290.

Submission:

Genomenon, Inc
Classification: Uncertain significance for Familial intrahepatic cholestasis. Last evaluated: 2026-04-14. Review status: criteria provided, single submitter. Criteria: Genomenon Sequence Variant Interpretation Standards - Updated. Collection method: curation. Allele origin: germline. Affected: yes.
Comment: ABCB11 p.Glu825Gly (c.2474A>G) is a missense variant that changes the amino acid at residue 825 from Glutamic acid to Glycine. This variant has been observed in at least one proband with an ABCB11-related disorder (PMID:32808743). It is absent or not present at a significant frequency in gnomAD. In silico models predict that this variant is possibly or probably damaging. In conclusion, we classify ABCB11 p.Glu825Gly (c.2474A>G) as a variant of uncertain significance.

Literature cited by the submitters: PubMed 32808743.